The following is an entry in ClinVar:

NM_004998.4(MYO1E):c.2050-3C>T

Gene: MYO1E (myosin IE; minus strand). Cytogenetic location: 15q22.2.
Variant type: single nucleotide variant.
Coding change: c.2050-3C>T on transcript NM_004998.4 (MANE Select); 3 bases into the intron before coding-DNA position 2050, C replaced by T.
Molecular consequence: intron variant.
Genome position (GRCh38, 1-based): chr15:59,174,243, G>A on the plus strand (C>T on the coding strand, the complement: MYO1E is on the minus strand). VCF-style: chr15-59174243-G-A. GRCh37 (hg19) VCF-style: chr15-59466442-G-A.
Identifiers: ClinVar variation 1055596 (VCV001055596.6), dbSNP rs776916643, ClinGen allele CA7589368.

ClinVar aggregate classification (germline): Uncertain significance. Review status: criteria provided, multiple submitters, no conflicts (2 of 4 stars). 2 submissions from 2 submitters: Uncertain significance (2). Last evaluated 2024-05-15.

Conditions:
Focal segmental glomerulosclerosis 6 (FSGS6). Identifiers: Orphanet 656, MedGen C3279905, MONDO:0013589, OMIM 614131.

Allele frequency attached by ClinVar (database versions not stated): gnomAD 0.00001; gnomAD exomes 0.00002 and 0.00011; TOPMed 0.00003; ExAC 0.00009.
gnomAD v4.1: 30 of 1,598,140 alleles (0.0019%); highest among the groups gnomAD compares: Admixed American, 0.045%; no homozygotes.

Submissions (2):

Fulgent Genetics
Classification: Uncertain significance for Focal segmental glomerulosclerosis 6. Last evaluated: 2024-05-15. Review status: criteria provided, single submitter. Criteria: ACMG Guidelines, 2015. Collection method: clinical testing. Allele origin: germline.

Labcorp Genetics (formerly Invitae), Labcorp
Classification: Uncertain significance. Last evaluated: 2021-09-26. Review status: criteria provided, single submitter. Criteria: Invitae Variant Classification Sherloc (09022015). Collection method: clinical testing. Allele origin: germline.
Comment: This sequence change falls in intron 19 of the MYO1E gene. It does not directly change the encoded amino acid sequence of the MYO1E protein. It affects a nucleotide within the consensus splice site of the intron. This variant is present in population databases (rs776916643, ExAC 0.1%). This variant has not been reported in the literature in individuals affected with MYO1E-related conditions. Variants that disrupt the consensus splice site are a relatively common cause of aberrant splicing (PMID: 17576681, 9536098). Algorithms developed to predict the effect of sequence changes on RNA splicing suggest that this variant is not likely to affect RNA splicing. In summary, the available evidence is currently insufficient to determine the role of this variant in disease. Therefore, it has been classified as a Variant of Uncertain Significance.

Literature cited by the submitters: PubMed 17576681 (cited by Labcorp Genetics (formerly Invitae), Labcorp); PubMed 9536098 (cited by Labcorp Genetics (formerly Invitae), Labcorp).